The following is an entry in ClinVar:

ClinVar aggregate classification (germline): Uncertain significance. Review status: criteria provided, multiple submitters, no conflicts (2 of 4 stars). 2 submissions from 2 submitters: Uncertain significance (2). Last evaluated 2023-03-03.

Conditions:
Nemaline myopathy 6 (NEM6). Also called: Nemaline myopathy 6, autosomal dominant. Identifiers: Orphanet 171439, MedGen C1836472, MONDO:0012237, OMIM 609273.

Allele frequency attached by ClinVar (database versions not stated): gnomAD exomes 0.00001.

Submissions (2):

Labcorp Genetics (formerly Invitae), Labcorp
Classification: Uncertain significance for Nemaline myopathy 6. Last evaluated: 2023-03-03. Review status: criteria provided, single submitter. Criteria: Invitae Variant Classification Sherloc (09022015). Collection method: clinical testing. Allele origin: germline.
Comment: ClinVar contains an entry for this variant (Variation ID: 316736). In summary, the available evidence is currently insufficient to determine the role of this variant in disease. Therefore, it has been classified as a Variant of Uncertain Significance. Experimental studies and prediction algorithms are not available or were not evaluated, and the functional significance of this variant is currently unknown. This variant has not been reported in the literature in individuals affected with KBTBD13-related conditions. This variant is not present in population databases (gnomAD no frequency). This sequence change creates a premature translational stop signal (p.Gln80*) in the KBTBD13 gene. While this is not anticipated to result in nonsense mediated decay, it is expected to disrupt the last 379 amino acid(s) of the KBTBD13 protein.

Revvity Omics, Revvity
Classification: Uncertain significance for Nemaline myopathy 6. Last evaluated: 2019-07-18. Review status: criteria provided, single submitter. Criteria: ACMG Guidelines, 2015. Collection method: clinical testing. Allele origin: germline.

NM_001101362.3(KBTBD13):c.238C>T (p.Gln80Ter)

Gene: KBTBD13 (kelch repeat and BTB domain containing 13; plus strand). Cytogenetic location: 15q22.31.
Variant type: single nucleotide variant.
Coding change: c.238C>T on transcript NM_001101362.3 (MANE Select); coding-DNA position 238, C replaced by T.
Protein change: p.Gln80Ter; replaces glutamine 80 with a stop codon.
Molecular consequence: nonsense.
Genome position (GRCh38, 1-based): chr15:65,077,053, C>T. VCF-style: chr15-65077053-C-T. GRCh37 (hg19) VCF-style: chr15-65369391-C-T.
Other names: short protein forms Q80*.
Identifiers: ClinVar variation 316736 (VCV000316736.10), dbSNP rs886051333, ClinGen allele CA10647250.